The following is an entry in ClinVar:

NM_001376571.1(MADD):c.46G>T (p.Val16Leu)

Gene: MADD (MAP kinase activating death domain; plus strand). Cytogenetic location: 11p11.2.
Variant type: single nucleotide variant.
Coding change: c.46G>T on transcript NM_001376571.1 (MANE Select); coding-DNA position 46, G replaced by T.
Protein change: p.Val16Leu; replaces valine 16 with leucine.
Molecular consequence: missense variant. On other transcripts: non-coding transcript variant (7), intron variant (13).
Genome position (GRCh38, 1-based): chr11:47,273,960, G>T. VCF-style: chr11-47273960-G-T. GRCh37 (hg19) VCF-style: chr11-47295511-G-T.
Other names: c.46G>T, p.Val16Leu (NM_001135943.2, NM_001135944.2, NM_001376572.1 and 80 more transcripts); c.-142-603G>T (NM_001376648.1, NM_001376620.1, NM_001376626.1 and 9 more transcripts); c.-7-1939G>T (NM_001376663.1); short protein forms V16L.
Identifiers: ClinVar variation 2352525 (VCV002352525.2), dbSNP rs773860940, ClinGen allele CA5973765.

ClinVar aggregate classification (germline): Uncertain significance (1 of 4 stars; one submission).

Conditions:
Inborn genetic diseases. Identifiers: MedGen C0950123, MeSH D030342.

Allele frequency attached by ClinVar (database versions not stated): gnomAD exomes 0.00002; ExAC 0.00003; gnomAD 0.00003; TOPMed 0.00010.
gnomAD v4.1: 41 of 1,613,968 alleles (0.0025%); highest among the groups gnomAD compares: Admixed American, 0.048%; no homozygotes.

Submission:

Ambry Genetics
Classification: Uncertain significance for Inborn genetic diseases. Last evaluated: 2022-09-14. Review status: criteria provided, single submitter. Criteria: Ambry Variant Classification Scheme 2023. Collection method: clinical testing. Allele origin: germline.
Comment: The c.46G>T (p.V16L) alteration is located in exon 2 (coding exon 1) of the MADD gene. This alteration results from a G to T substitution at nucleotide position 46, causing the valine (V) at amino acid position 16 to be replaced by a leucine (L). Based on data from the Genome Aggregation Database (gnomAD) database, the MADD c.46G>T alteration was observed in 0.01% (23/251,406) of total alleles studied, with a frequency of 0.06% (20/34,586) in the Latino subpopulation. This amino acid position is highly conserved in available vertebrate species. The p.V16L alteration is predicted to be tolerated by in silico analysis. Based on insufficient or conflicting evidence, the clinical significance of this alteration remains unclear.